The following is an entry in ClinVar:

ClinVar aggregate classification (germline): Uncertain significance (1 of 4 stars; one submission).

gnomAD v4.1: 6 of 1,614,180 alleles (0.00037%); highest among the groups gnomAD compares: South Asian, 0.0044%; no homozygotes.

Submission:

GeneDx
Classification: Uncertain significance. Last evaluated: 2025-06-17. Review status: criteria provided, single submitter. Criteria: GeneDx Variant Classification Process June 2021. Collection method: clinical testing. Allele origin: germline. Affected: yes.
Comment: Not observed at significant frequency in large population cohorts (gnomAD); In silico analysis supports that this missense variant has a deleterious effect on protein structure/function; Has not been previously published as pathogenic or benign to our knowledge; This variant is associated with the following publications: (PMID: 25471517)

NM_005051.3(QARS1):c.2192C>G (p.Ser731Cys)

Gene: QARS1 (glutaminyl-tRNA synthetase 1; minus strand). Cytogenetic location: 3p21.31.
Variant type: single nucleotide variant.
Coding change: c.2192C>G on transcript NM_005051.3 (MANE Select); coding-DNA position 2192, C replaced by G.
Protein change: p.Ser731Cys; replaces serine 731 with cysteine.
Molecular consequence: missense variant. On other transcripts: non-coding transcript variant (1).
Genome position (GRCh38, 1-based): chr3:49,098,077, G>C on the plus strand (C>G on the coding strand, the complement: QARS1 is on the minus strand). VCF-style: chr3-49098077-G-C. GRCh37 (hg19) VCF-style: chr3-49135510-G-C.
Other names: c.2159C>G, p.Ser720Cys (NM_001272073.2); short protein forms S720C, S731C.
Identifiers: ClinVar variation 4538675 (VCV004538675.1).